The following is an entry in ClinVar:

ClinVar aggregate classification (germline): Likely pathogenic (1 of 4 stars; one submission).

Conditions:
CPLANE1-related disorder. Also called: CPLANE1-related condition.

Submission:

PreventionGenetics, part of Exact Sciences
Classification: Likely pathogenic for CPLANE1-related condition. Last evaluated: 2025-12-19. Review status: criteria provided, single submitter. Criteria: ACMG Guidelines, 2015. Collection method: clinical testing. Allele origin: germline.
Comment: The CPLANE1 c.4362delG variant is predicted to result in a frameshift and premature protein termination (p.Gly1454Glyfs*4). To our knowledge, this variant has not been reported in the literature or in a large population database (gnomAD), indicating this variant is rare. Frameshift variants in CPLANE1 are expected to be pathogenic. This variant is interpreted as likely pathogenic.

NM_001384732.1(CPLANE1):c.4362del (p.Thr1455fs)

Genes: CPLANE1 (ciliogenesis and planar polarity effector complex subunit 1; minus strand), LOC129389274 (MPRA-validated peak5227 silencer; plus strand). Cytogenetic location: 5p13.2.
Variant type: Deletion.
Coding change: c.4362del on transcript NM_001384732.1 (MANE Select); coding-DNA position 4362, one base deleted (G; older notation c.4362delG).
Protein change: p.Thr1455fs; shifts the reading frame from threonine 1455.
Molecular consequence: frameshift variant.
Genome position (GRCh38, 1-based): chr5:37,184,907, C deleted on the plus strand (G on the coding strand, the reverse complement: CPLANE1 is on the minus strand); the first of 4 consecutive C bases (chr5:37,184,907-37,184,910); deleting any one gives the same sequence. VCF-style (leftmost placement, unchanged base first): chr5-37184906-TC-T. GRCh37 (hg19) VCF-style: chr5-37185008-TC-T.
Other names: c.4362del, p.Thr1455fs (NM_023073.4); short protein forms T1455fs.
Identifiers: ClinVar variation 4988749 (VCV004988749.1), dbSNP rs1561531833.